The following is an entry in ClinVar:

ClinVar aggregate classification (germline): Uncertain significance (1 of 4 stars; one submission).

Conditions:
Neuroblastoma, susceptibility to, 3. Also called: ALK-Related Neuroblastic Tumor Susceptibility. Identifiers: Orphanet 635, MedGen C2751681, MONDO:0013083, OMIM 613014.

Submission:

Labcorp Genetics (formerly Invitae), Labcorp
Classification: Uncertain significance for Neuroblastoma, susceptibility to, 3. Last evaluated: 2024-08-21. Review status: criteria provided, single submitter. Criteria: Invitae Variant Classification Sherloc (09022015). Collection method: clinical testing. Allele origin: germline.
Comment: This sequence change replaces threonine, which is neutral and polar, with alanine, which is neutral and non-polar, at codon 25 of the ALK protein (p.Thr25Ala). This variant is not present in population databases (gnomAD no frequency). This variant has not been reported in the literature in individuals affected with ALK-related conditions. An algorithm developed to predict the effect of missense changes on protein structure and function outputs the following: PolyPhen-2: "Benign". The alanine amino acid residue is found in multiple mammalian species, which suggests that this missense change does not adversely affect protein function. In summary, the available evidence is currently insufficient to determine the role of this variant in disease. Therefore, it has been classified as a Variant of Uncertain Significance.

NM_004304.5(ALK):c.73A>G (p.Thr25Ala)

Gene: ALK (ALK receptor tyrosine kinase; minus strand). Cytogenetic location: 2p23.1.
Variant type: single nucleotide variant.
Coding change: c.73A>G on transcript NM_004304.5 (MANE Select); coding-DNA position 73, A replaced by G.
Protein change: p.Thr25Ala; replaces threonine 25 with alanine.
Molecular consequence: missense variant.
Genome position (GRCh38, 1-based): chr2:29,920,587, T>C on the plus strand (A>G on the coding strand, the complement: ALK is on the minus strand). VCF-style: chr2-29920587-T-C. GRCh37 (hg19) VCF-style: chr2-30143453-T-C.
Other names: short protein forms T25A.
Identifiers: ClinVar variation 3677317 (VCV003677317.2).